The following is an entry in ClinVar:

NM_015375.3(DSTYK):c.206G>A (p.Gly69Asp)

Gene: DSTYK (dual serine/threonine and tyrosine protein kinase; minus strand). Cytogenetic location: 1q32.1.
Variant type: single nucleotide variant.
Coding change: c.206G>A on transcript NM_015375.3 (MANE Select); coding-DNA position 206, G replaced by A.
Protein change: p.Gly69Asp; replaces glycine 69 with aspartic acid.
Molecular consequence: missense variant.
Genome position (GRCh38, 1-based): chr1:205,211,330, C>T on the plus strand (G>A on the coding strand, the complement: DSTYK is on the minus strand). VCF-style: chr1-205211330-C-T. GRCh37 (hg19) VCF-style: chr1-205180458-C-T.
Other names: c.206G>A, p.Gly69Asp (NM_199462.3); short protein forms G69D.
Identifiers: ClinVar variation 3614540 (VCV003614540.2).

ClinVar aggregate classification (germline): Uncertain significance (1 of 4 stars; one submission).

gnomAD v4.1: 16 of 1,611,290 alleles (0.00099%); highest among the groups gnomAD compares: Non-Finnish European, 0.0014%; no homozygotes.

Submission:

Labcorp Genetics (formerly Invitae), Labcorp
Classification: Uncertain significance. Last evaluated: 2024-03-28. Review status: criteria provided, single submitter. Criteria: Invitae Variant Classification Sherloc (09022015). Collection method: clinical testing. Allele origin: germline.
Comment: This sequence change replaces glycine, which is neutral and non-polar, with aspartic acid, which is acidic and polar, at codon 69 of the DSTYK protein (p.Gly69Asp). This variant is present in population databases (no rsID available, gnomAD 0.007%). This variant has not been reported in the literature in individuals affected with DSTYK-related conditions. Algorithms developed to predict the effect of missense changes on protein structure and function output the following: SIFT: "Not Available"; PolyPhen-2: "Benign"; Align-GVGD: "Not Available". The aspartic acid amino acid residue is found in multiple mammalian species, which suggests that this missense change does not adversely affect protein function. In summary, the available evidence is currently insufficient to determine the role of this variant in disease. Therefore, it has been classified as a Variant of Uncertain Significance.